The following is an entry in ClinVar:

ClinVar aggregate classification (germline): Pathogenic (1 of 4 stars; one submission).

Conditions:
Hereditary cancer-predisposing syndrome. Also called: Tumor predisposition; Hereditary Cancer Syndrome; Neoplastic Syndromes, Hereditary; Hereditary neoplastic syndrome. Identifiers: Orphanet 140162, MedGen C0027672, MeSH D009386, MONDO:0015356.

Submission:

Ambry Genetics
Classification: Pathogenic for Hereditary cancer-predisposing syndrome. Last evaluated: 2019-04-26. Review status: criteria provided, single submitter. Criteria: Ambry Variant Classification Scheme 2023. Collection method: clinical testing. Allele origin: germline.
Comment: The p.L366* pathogenic mutation (also known as c.1097T>A), located in coding exon 9 of the BRCA2 gene, results from a T to A substitution at nucleotide position 1097. This changes the amino acid from a leucine to a stop codon within coding exon 9. This alteration is expected to result in loss of function by premature protein truncation or nonsense-mediated mRNA decay. As such, this alteration is interpreted as a disease-causing mutation.

NM_000059.4(BRCA2):c.1097T>A (p.Leu366Ter)

Gene: BRCA2 (BRCA2 DNA repair associated; plus strand). Cytogenetic location: 13q13.1.
Variant type: single nucleotide variant.
Coding change: c.1097T>A on transcript NM_000059.4 (MANE Select); coding-DNA position 1097, T replaced by A.
Protein change: p.Leu366Ter; replaces leucine 366 with a stop codon.
Molecular consequence: nonsense.
Genome position (GRCh38, 1-based): chr13:32,332,575, T>A. VCF-style: chr13-32332575-T-A. GRCh37 (hg19) VCF-style: chr13-32906712-T-A.
Other names: short protein forms L366*.
Identifiers: ClinVar variation 822161 (VCV000822161.4), dbSNP rs886040345, ClinGen allele CA387761533.
Genomic context (GRCh38, chr13:32,332,575, plus strand): 5'-ACCAAGTGAAAGAAAAATACTCATTTGTATCTGAAGTGGAACCAAATGATACTGATCCAT[T>A]AGATTCAAATGTAGCAAATCAGAAGCCCTTTGAGAGTGGAAGTGACAAAATCTCCAAGGA-3'